The following is an entry in ClinVar:

NM_002187.3(IL12B):c.892G>T (p.Val298Phe)

Gene: IL12B (interleukin 12B; minus strand). Cytogenetic location: 5q33.3.
Variant type: single nucleotide variant.
Coding change: c.892G>T on transcript NM_002187.3 (MANE Select); coding-DNA position 892, G replaced by T.
Protein change: p.Val298Phe; replaces valine 298 with phenylalanine.
Molecular consequence: missense variant.
Genome position (GRCh38, 1-based): chr5:159,316,780, C>A on the plus strand (G>T on the coding strand, the complement: IL12B is on the minus strand). VCF-style: chr5-159316780-C-A. GRCh37 (hg19) VCF-style: chr5-158743788-C-A.
Other names: short protein forms V298F.
Identifiers: ClinVar variation 352572 (VCV000352572.14), dbSNP rs3213119, ClinGen allele CA3538673.

ClinVar aggregate classification (germline): Benign. Review status: criteria provided, multiple submitters, no conflicts (2 of 4 stars). 2 submissions from 2 submitters: Benign (2). Last evaluated 2026-02-04.

Conditions:
Mendelian susceptibility to mycobacterial diseases due to complete IL12B deficiency. Also called: IL12B DEFICIENCY; Immunodeficiency 29. Identifiers: Orphanet 319558, MedGen C4013948, MONDO:0013954, OMIM 614890.

Allele frequency attached by ClinVar (database versions not stated): 1000 Genomes Project 30x 0.01171; 1000 Genomes Project 0.01198; ExAC 0.02061; gnomAD exomes 0.02073 and 0.02750; TOPMed 0.02104; gnomAD 0.02109 and 0.02183; ESP Exome Variant Server 0.02199.

Submissions (2):

Labcorp Genetics (formerly Invitae), Labcorp
Classification: Benign for Mendelian susceptibility to mycobacterial diseases due to complete IL12B deficiency. Last evaluated: 2026-02-04. Review status: criteria provided, single submitter. Criteria: Invitae Variant Classification Sherloc (09022015). Collection method: clinical testing. Allele origin: germline.

Illumina Laboratory Services, Illumina
Classification: Benign for Mendelian susceptibility to mycobacterial diseases due to complete IL12B deficiency. Last evaluated: 2018-01-12. Review status: criteria provided, single submitter. Criteria: ICSL Variant Classification Criteria 13 December 2019. Collection method: clinical testing. Allele origin: germline.
Comment: This variant was observed in the ICSL laboratory as part of a predisposition screen in an ostensibly healthy population. It had not been previously curated by ICSL or reported in the Human Gene Mutation Database (HGMD: prior to June 1st, 2018), and was therefore a candidate for classification through an automated scoring system. Utilizing variant allele frequency, disease prevalence and penetrance estimates, and inheritance mode, an automated score was calculated to assess if this variant is too frequent to cause the disease. Based on the score and internal cut-off values, a variant classified as benign is not then subjected to further curation. The score for this variant resulted in a classification of benign for this disease.